The following is an entry in ClinVar:

ClinVar aggregate classification (germline): Conflicting classifications of pathogenicity. Review status: criteria provided, conflicting classifications (1 of 4 stars). 3 submissions from 3 submitters: Uncertain significance (1); Benign (1); Likely benign (1). Last evaluated 2024-09-24.

Conditions:
Focal segmental glomerulosclerosis 2 (FSGS2). Identifiers: Orphanet 656, MedGen C1858915, MONDO:0011390, OMIM 603965.

Allele frequency attached by ClinVar (database versions not stated): gnomAD exomes 0.00003 and 0.00004; ExAC 0.00018; TOPMed 0.00018; gnomAD 0.00019; ESP Exome Variant Server 0.00031.
gnomAD v4.1: 66 of 1,554,938 alleles (0.0042%); highest among the groups gnomAD compares: African/African-American, 0.065%; no homozygotes.

Submissions (3):

Labcorp Genetics (formerly Invitae), Labcorp
Classification: Likely benign. Last evaluated: 2024-09-24. Review status: criteria provided, single submitter. Criteria: Invitae Variant Classification Sherloc (09022015). Collection method: clinical testing. Allele origin: germline.

GeneDx
Classification: Uncertain significance. Last evaluated: 2021-08-30. Review status: criteria provided, single submitter. Criteria: GeneDx Variant Classification Process June 2021. Collection method: clinical testing. Allele origin: germline. Affected: yes.
Comment: In silico analysis supports that this variant does not alter splicing; Has not been previously published as pathogenic or benign to our knowledge

Illumina Laboratory Services, Illumina
Classification: Benign for Focal segmental glomerulosclerosis 2. Last evaluated: 2018-01-13. Review status: criteria provided, single submitter. Criteria: ICSL Variant Classification Criteria 13 December 2019. Collection method: clinical testing. Allele origin: germline.
Comment: This variant was observed in the ICSL laboratory as part of a predisposition screen in an ostensibly healthy population. It had not been previously curated by ICSL or reported in the Human Gene Mutation Database (HGMD: prior to June 1st, 2018), and was therefore a candidate for classification through an automated scoring system. Utilizing variant allele frequency, disease prevalence and penetrance estimates, and inheritance mode, an automated score was calculated to assess if this variant is too frequent to cause the disease. Based on the score and internal cut-off values, a variant classified as benign is not then subjected to further curation. The score for this variant resulted in a classification of benign for this disease.

NM_004621.6(TRPC6):c.75C>T (p.Arg25=)

Gene: TRPC6 (transient receptor potential cation channel subfamily C member 6; minus strand). Cytogenetic location: 11q22.1.
Variant type: single nucleotide variant.
Coding change: c.75C>T on transcript NM_004621.6 (MANE Select); coding-DNA position 75, C replaced by T.
Protein change: p.Arg25=; no amino-acid change (arginine 25 retained).
Molecular consequence: synonymous variant.
Genome position (GRCh38, 1-based): chr11:101,583,429, G>A on the plus strand (C>T on the coding strand, the complement: TRPC6 is on the minus strand). VCF-style: chr11-101583429-G-A. GRCh37 (hg19) VCF-style: chr11-101454160-G-A.
Identifiers: ClinVar variation 749308 (VCV000749308.14), dbSNP rs201051533, ClinGen allele CA6244637.